The following continues an entry in ClinVar:

NM_001048174.2(MUTYH):c.228C>T (p.Tyr76=)

Gene: MUTYH. ClinVar aggregate classification (germline): Benign/Likely benign. Benign (10); Likely benign (14).

Submissions 19 to 31 of 31:

Women's Health and Genetics/Laboratory Corporation of America, LabCorp
Classification: Benign. Last evaluated: 2016-06-06. Review status: criteria provided, single submitter. Criteria: LabCorp Variant Classification Summary - May 2015. Collection method: clinical testing. Allele origin: germline.
Comment: Variant summary: The MUTYH c.312C>T (p.Tyr104Tyr) variant involves the alteration of a non-conserved nucleotide, resulting in a synonymous change. One in silico tool predicts a damaging outcome for this variant. 5/5 splice prediction tools predict no significant impact on normal splicing. ESE finder predicts that this variant may affect multiple ESE sites. However, these predictions have yet to be confirmed by functional studies. This variant was found in 161/124730 control chromosomes at a frequency of 0.0012908, which does not exceed the estimated maximal expected allele frequency of a pathogenic MUTYH variant (0.0055902). This variant has been reported in numerous patients with various types of cancer, however, without enough evidence suggesting pathogenicity. In addition, multiple clinical diagnostic laboratories/reputable databases classified this variant as benign. Taken together, this variant is classified as benign.

Color Diagnostics, LLC DBA Color Health
Classification: Benign for Hereditary cancer-predisposing syndrome. Last evaluated: 2016-05-03. Review status: criteria provided, single submitter. Criteria: ACMG Guidelines, 2015. Collection method: clinical testing. Allele origin: germline.

Laboratory for Molecular Medicine, Mass General Brigham Personalized Medicine
Classification: Benign. Last evaluated: 2016-03-29. Review status: criteria provided, single submitter. Criteria: LMM Criteria. Collection method: clinical testing. Allele origin: germline.
Comment: Variant identified in a genome or exome case(s) and assessed due to predicted null impact of the variant or pathogenic assertions in the literature or databases. Disclaimer: This variant has not undergone full assessment. The following are preliminary notes: ExAC: 0.5% Finnish chromosomes; ClinVar: 4 labs classify as LB/B

Genomic Diagnostic Laboratory, Division of Genomic Diagnostics, Children's Hospital of Philadelphia
Classification: Benign for MYH-associated polyposis. Last evaluated: 2015-12-03. Review status: criteria provided, single submitter. Criteria: DGD Variant Analysis Guidelines. Collection method: clinical testing. Allele origin: unknown.

Eurofins Ntd Llc (ga)
Classification: Benign. Last evaluated: 2015-03-27. Review status: criteria provided, single submitter. Criteria: EGL Classification Definitions 2015. Collection method: clinical testing. Allele origin: germline. Observed: 1 variant allele, 1 heterozygote.

GeneDx
Classification: Benign. Last evaluated: 2013-11-05. Review status: criteria provided, single submitter. Criteria: GeneDx Variant Classification (06012015). Collection method: clinical testing. Allele origin: germline. Affected: yes.
Comment: This variant is considered likely benign or benign based on one or more of the following criteria: it is a conservative change, it occurs at a poorly conserved position in the protein, it is predicted to be benign by multiple in silico algorithms, and/or has population frequency not consistent with disease.

True Health Diagnostics
Classification: Likely benign for Hereditary cancer-predisposing syndrome. Last evaluated: 2017-11-17. Review status: no assertion criteria provided. Collection method: clinical testing. Allele origin: germline. Not counted in ClinVar's aggregate classification.

Clinical Genetics DNA and cytogenetics Diagnostics Lab, Erasmus MC, Erasmus Medical Center
Classification: Likely benign. Review status: no assertion criteria provided. Collection method: clinical testing. Allele origin: germline. Affected: yes. Study: VKGL Data-share Consensus. Not counted in ClinVar's aggregate classification.

Clinical Genetics, Academic Medical Center
Classification: Likely benign. Review status: no assertion criteria provided. Collection method: clinical testing. Allele origin: germline. Affected: yes. Study: VKGL Data-share Consensus. Not counted in ClinVar's aggregate classification.

Department of Pathology and Laboratory Medicine, Sinai Health System
Classification: Likely benign for Carcinoma of colon. Review status: no assertion criteria provided. Collection method: clinical testing. Allele origin: unknown. Affected: yes. Study: The Canadian Open Genetics Repository (COGR). Not counted in ClinVar's aggregate classification.
Comment: The MUTYH p.Tyr104= variant was identified in 6 of 8036 proband chromosomes (frequency: 0.001) from individuals or families with colorectal cancer, breast cancer, or adenomatous polyposis and was not identified in 3332 control chromosomes from healthy individuals (Out 2012, Aretz 2006, Alhopuro 2005, McVeigh 2016, Niessen 2006, Olschwang 2007). The variant was also identified in dbSNP (ID: rs121908380) as â€šÃ„ÃºWith Pathogenic, other alleleâ€šÃ„Ã¹, ClinVar (classified as benign by Invitae, GeneDx, Color Genomics and 4 clinical laboratories; as likely benign by Ambry Genetics and 3 clinical laboratories), Clinvitae, and COGR database. The variant was not identified in Cosmic, or UMD-LSDB databases. The variant was identified in control databases in 417 of 277196 chromosomes (1 homozygous) at a frequency of 0.002 increasing the likelihood this could be a low frequency benign variant (Genome Aggregation Database Feb 27, 2017). The variant was observed in the following populations: African in 13 of 24020 chromosomes (freq: 0.001), Other in 16 of 6464 chromosomes (freq: 0.002), Latino in 50 of 34420 chromosomes (freq: 0.001), European in 213 of 126700 chromosomes (freq: 0.002), East Asian in 1 of 18870 chromosomes (freq: 0.0001), Finnish in 123 of 25788 chromosomes (freq: 0.01), and South Asian in 1 of 30782 chromosomes (freq: 0.00003); it was not observed in the Ashkenazi Jewish populations. The p.Tyr104= variant is not expected to have clinical significance because it does not result in a change of amino acid and is not located in a known consensus splice site. In addition, in silico or computational prediction software programs (SpliceSiteFinder, MaxEntScan, NNSPLICE, GeneSplicer, HumanSpliceFinder) do not predict a difference in splicing. In summary, based on the above information the clinical significance of this variant cannot be determined with certainty at this time although we would lean towards a more benign role for this variant. This variant is classified as likely benign.

Diagnostic Laboratory, Department of Genetics, University Medical Center Groningen
Classification: Likely benign. Review status: no assertion criteria provided. Collection method: clinical testing. Allele origin: germline. Affected: yes. Study: VKGL Data-share Consensus. Not counted in ClinVar's aggregate classification.

Genome Diagnostics Laboratory, Amsterdam University Medical Center
Classification: Likely benign. Review status: no assertion criteria provided. Collection method: clinical testing. Allele origin: germline. Affected: yes. Study: VKGL Data-share Consensus. Not counted in ClinVar's aggregate classification.

Joint Genome Diagnostic Labs from Nijmegen and Maastricht, Radboudumc and MUMC+
Classification: Likely benign. Review status: no assertion criteria provided. Collection method: clinical testing. Allele origin: germline. Affected: yes. Study: VKGL Data-share Consensus. Not counted in ClinVar's aggregate classification.

Literature cited by the submitters: PubMed 25944730 (cited by Illumina Laboratory Services, Illumina); PubMed 30661052 (cited by Illumina Laboratory Services, Illumina); PubMed 37937776 (cited by Illumina Laboratory Services, Illumina); PubMed 29510914 (cited by Illumina Laboratory Services, Illumina); PubMed 32154675 (cited by Illumina Laboratory Services, Illumina); PubMed 22297469 (cited by Quest Diagnostics Nichols Institute San Juan Capistrano and Women's Health and Genetics/Laboratory Corporation of America, LabCorp); PubMed 28644590 (cited by Quest Diagnostics Nichols Institute San Juan Capistrano); PubMed 35628513 (cited by Quest Diagnostics Nichols Institute San Juan Capistrano); PubMed 28502729 (cited by Quest Diagnostics Nichols Institute San Juan Capistrano); PubMed 16408224 (cited by Quest Diagnostics Nichols Institute San Juan Capistrano and Women's Health and Genetics/Laboratory Corporation of America, LabCorp); PubMed 16134146 (cited by Quest Diagnostics Nichols Institute San Juan Capistrano and Women's Health and Genetics/Laboratory Corporation of America, LabCorp); PubMed 17949294 (cited by Quest Diagnostics Nichols Institute San Juan Capistrano and Women's Health and Genetics/Laboratory Corporation of America, LabCorp); PubMed 16557584 (cited by Quest Diagnostics Nichols Institute San Juan Capistrano and Women's Health and Genetics/Laboratory Corporation of America, LabCorp); PubMed 20725929 (cited by Women's Health and Genetics/Laboratory Corporation of America, LabCorp).